The following is an entry in ClinVar:

NM_001283009.2(RTEL1):c.2023C>A (p.Gln675Lys)

Genes: RTEL1 (regulator of telomere elongation helicase 1; plus strand), RTEL1-TNFRSF6B (RTEL1-TNFRSF6B readthrough (NMD candidate); plus strand). Cytogenetic location: 20q13.33.
Variant type: single nucleotide variant.
Coding change: c.2023C>A on transcript NM_001283009.2 (MANE Select); coding-DNA position 2023, C replaced by A.
Protein change: p.Gln675Lys; replaces glutamine 675 with lysine.
Molecular consequence: missense variant. On other transcripts: non-coding transcript variant (1).
Genome position (GRCh38, 1-based): chr20:63,689,646, C>A. VCF-style: chr20-63689646-C-A. GRCh37 (hg19) VCF-style: chr20-62320999-C-A.
Other names: c.1354C>A, p.Gln452Lys (NM_001283010.1); c.2023C>A, p.Gln675Lys (NM_016434.4); c.2095C>A, p.Gln699Lys (NM_032957.5); short protein forms Q675K, Q699K, Q452K.
Identifiers: ClinVar variation 583314 (VCV000583314.7), dbSNP rs772605324, ClinGen allele CA9965105.

ClinVar aggregate classification (germline): Uncertain significance. Review status: criteria provided, multiple submitters, no conflicts (2 of 4 stars). 2 submissions from 2 submitters: Uncertain significance (2). Last evaluated 2025-10-16.

Conditions:
Dyskeratosis congenita, autosomal recessive 5 (DKCB5). Identifiers: MedGen C3554656, MONDO:0014076, OMIM 615190.
Pulmonary fibrosis and/or bone marrow failure, Telomere-related, 3. Also called: PULMONARY FIBROSIS AND/OR BONE MARROW FAILURE SYNDROME, TELOMERE-RELATED, 3. Identifiers: Orphanet 2032, MedGen C4225346, MONDO:0014613, OMIM 616373.
Inborn genetic diseases. Identifiers: MedGen C0950123, MeSH D030342.

Allele frequency attached by ClinVar (database versions not stated): gnomAD 0.00001; gnomAD exomes 0.00001 and below 0.00001; TOPMed below 0.00001; ExAC 0.00001.
gnomAD v4.1: 19 of 1,608,082 alleles (0.0012%); highest among the groups gnomAD compares: African/African-American, 0.0027%; no homozygotes.

Submissions (2):

Ambry Genetics
Classification: Uncertain significance for Inborn genetic diseases. Last evaluated: 2025-10-16. Review status: criteria provided, single submitter. Criteria: Ambry Variant Classification Scheme 2023. Collection method: clinical testing. Allele origin: germline.
Comment: The p.Q675K variant (also known as c.2023C>A), located in coding exon 22 of the RTEL1 gene, results from a C to A substitution at nucleotide position 2023. The glutamine at codon 675 is replaced by lysine, an amino acid with similar properties. This amino acid position is conserved. In addition, this alteration is predicted to be tolerated by in silico analysis. Based on the available evidence, the clinical significance of this variant remains unclear.

Labcorp Genetics (formerly Invitae), Labcorp
Classification: Uncertain significance for Dyskeratosis congenita, autosomal recessive 5; Pulmonary fibrosis and/or bone marrow failure, Telomere-related, 3. Last evaluated: 2021-08-27. Review status: criteria provided, single submitter. Criteria: Invitae Variant Classification Sherloc (09022015). Collection method: clinical testing. Allele origin: germline.
Comment: This sequence change replaces glutamine with lysine at codon 675 of the RTEL1 protein (p.Gln675Lys). The glutamine residue is moderately conserved and there is a small physicochemical difference between glutamine and lysine. This variant is present in population databases (rs772605324, ExAC 0.002%). This variant has not been reported in the literature in individuals affected with RTEL1-related conditions. Algorithms developed to predict the effect of missense changes on protein structure and function (SIFT, PolyPhen-2, Align-GVGD) all suggest that this variant is likely to be tolerated. In summary, the available evidence is currently insufficient to determine the role of this variant in disease. Therefore, it has been classified as a Variant of Uncertain Significance.